The following is an entry in ClinVar:

ClinVar aggregate classification (germline): Benign/Likely benign. Review status: criteria provided, multiple submitters, no conflicts (2 of 4 stars). 3 submissions from 3 submitters: Benign (2); Likely benign (1). Last evaluated 2023-08-01.

Allele frequency attached by ClinVar (database versions not stated): gnomAD 0.00001 and 0.00042; gnomAD exomes 0.00161; ExAC 0.00204; 1000 Genomes Project 30x 0.00500; 1000 Genomes Project 0.00539.
gnomAD v4.1: 1,310 of 1,579,450 alleles (0.083%); highest among the groups gnomAD compares: South Asian, 1.5%; 26 homozygotes.

Submissions (3):

CeGaT Center for Human Genetics Tuebingen
Classification: Benign. Last evaluated: 2023-08-01. Review status: criteria provided, single submitter. Criteria: CeGaT Center For Human Genetics Tuebingen Variant Classification Criteria Version 2. Collection method: clinical testing. Allele origin: germline. Affected: yes. Observed: 1 variant allele.
Comment: CENPF: BP4, BP7, BS1, BS2

Labcorp Genetics (formerly Invitae), Labcorp
Classification: Benign. Last evaluated: 2021-07-05. Review status: criteria provided, single submitter. Criteria: Invitae Variant Classification Sherloc (09022015). Collection method: clinical testing. Allele origin: germline.

GeneDx
Classification: Likely benign. Last evaluated: 2020-10-03. Review status: criteria provided, single submitter. Criteria: GeneDx Variant Classification Process June 2021. Collection method: clinical testing. Allele origin: germline. Affected: yes.

NM_016343.4(CENPF):c.3369C>T (p.Ser1123=)

Gene: CENPF (centromere protein F; plus strand). Cytogenetic location: 1q41.
Variant type: single nucleotide variant.
Coding change: c.3369C>T on transcript NM_016343.4 (MANE Select); coding-DNA position 3369, C replaced by T.
Protein change: p.Ser1123=; no amino-acid change (serine 1123 retained).
Molecular consequence: synonymous variant.
Genome position (GRCh38, 1-based): chr1:214,641,707, C>T. VCF-style: chr1-214641707-C-T. GRCh37 (hg19) VCF-style: chr1-214815050-C-T.
Identifiers: ClinVar variation 1187780 (VCV001187780.31), dbSNP rs369791107, ClinGen allele CA1390393.